The following is an entry in ClinVar:

ClinVar aggregate classification (germline): Uncertain significance. Review status: criteria provided, multiple submitters, no conflicts (2 of 4 stars). 2 submissions from 2 submitters: Uncertain significance (2). Last evaluated 2024-10-18.

Conditions:
Myofibrillar myopathy 5. Also called: Filaminopathy (type); FILAMINOPATHY, AUTOSOMAL DOMINANT. Identifiers: Orphanet 171445, MedGen C1836050, MONDO:0012289, OMIM 609524.
Distal myopathy with posterior leg and anterior hand involvement. Also called: WILLIAMS DISTAL MYOPATHY. Identifiers: Orphanet 63273, MedGen C3279722, MONDO:0013550, OMIM 614065.
Hypertrophic cardiomyopathy 26. Also called: Cardiomyopathy, familial hypertrophic, 26. Identifiers: Orphanet 75249, MedGen C4310749, MONDO:0014883, OMIM 617047.

Submissions (2):

Labcorp Genetics (formerly Invitae), Labcorp
Classification: Uncertain significance for Distal myopathy with posterior leg and anterior hand involvement; Myofibrillar myopathy 5; Hypertrophic cardiomyopathy 26. Last evaluated: 2024-10-18. Review status: criteria provided, single submitter. Criteria: Invitae Variant Classification Sherloc (09022015). Collection method: clinical testing. Allele origin: germline.
Comment: This sequence change replaces isoleucine, which is neutral and non-polar, with threonine, which is neutral and polar, at codon 2160 of the FLNC protein (p.Ile2160Thr). This variant is not present in population databases (gnomAD no frequency). This variant has not been reported in the literature in individuals affected with FLNC-related conditions. ClinVar contains an entry for this variant (Variation ID: 2112094). Invitae Evidence Modeling of protein sequence and biophysical properties (such as structural, functional, and spatial information, amino acid conservation, physicochemical variation, residue mobility, and thermodynamic stability) has been performed for this missense variant. However, the output from this modeling did not meet the statistical confidence thresholds required to predict the impact of this variant on FLNC protein function. In summary, the available evidence is currently insufficient to determine the role of this variant in disease. Therefore, it has been classified as a Variant of Uncertain Significance.

GeneDx
Classification: Uncertain significance. Last evaluated: 2022-12-05. Review status: criteria provided, single submitter. Criteria: GeneDx Variant Classification Process June 2021. Collection method: clinical testing. Allele origin: germline. Affected: yes.
Comment: Not observed at significant frequency in large population cohorts (gnomAD); In silico analysis supports that this missense variant has a deleterious effect on protein structure/function; Has not been previously published as pathogenic or benign to our knowledge

NM_001458.5(FLNC):c.6479T>C (p.Ile2160Thr)

Genes: FLNC-AS1 (FLNC antisense RNA 1; minus strand), FLNC (filamin C; plus strand). Cytogenetic location: 7q32.1.
Variant type: single nucleotide variant.
Coding change: c.6479T>C on transcript NM_001458.5 (MANE Select); coding-DNA position 6479, T replaced by C.
Protein change: p.Ile2160Thr; replaces isoleucine 2160 with threonine.
Molecular consequence: missense variant.
Genome position (GRCh38, 1-based): chr7:128,853,832, T>C. VCF-style: chr7-128853832-T-C. GRCh37 (hg19) VCF-style: chr7-128493886-T-C.
Other names: c.6380T>C, p.Ile2127Thr (NM_001127487.2); short protein forms I2127T, I2160T.
Identifiers: ClinVar variation 2112094 (VCV002112094.5), dbSNP rs2536663003, ClinGen allele CA369212634.